The following is an entry in ClinVar:

NM_014806.5(RUSC2):c.4207_4210dup (p.Arg1404delinsLysTer)

Gene: RUSC2 (RUN and SH3 domain containing 2; plus strand). Cytogenetic location: 9p13.3.
Variant type: Duplication.
Coding change: c.4207_4210dup on transcript NM_014806.5 (MANE Select); coding-DNA positions 4207 to 4210, 4 bases duplicated (AATA; older notation c.4207_4210dupAATA).
Protein change: p.Arg1404delinsLysTer.
Molecular consequence: nonsense. On other transcripts: non-coding transcript variant (1).
Genome position (GRCh38, 1-based): chr9:35,560,847-35,560,850, AATA duplicated; duplicating any 4 consecutive bases within chr9:35,560,846-35,560,850 gives the same sequence; the c. name uses the placement nearest the transcript's 3' end. VCF-style (leftmost placement, unchanged base first): chr9-35560845-C-CAAAT. GRCh37 (hg19) VCF-style: chr9-35560842-C-CAAAT.
Other names: c.4207_4210dup, p.Arg1404delinsLysTer (NM_001135999.2); c.1573_1576dup, p.Arg526delinsLysTer (NM_001330740.2).
Identifiers: ClinVar variation 2100474 (VCV002100474.4), dbSNP rs1228929788, ClinGen allele CA373356887.

ClinVar aggregate classification (germline): Pathogenic (1 of 4 stars; one submission).

Submission:

Labcorp Genetics (formerly Invitae), Labcorp
Classification: Pathogenic. Last evaluated: 2024-02-24. Review status: criteria provided, single submitter. Criteria: Invitae Variant Classification Sherloc (09022015). Collection method: clinical testing. Allele origin: germline.
Comment: This sequence change creates a premature translational stop signal (p.Arg1404Lysfs*2) in the RUSC2 gene. It is expected to result in an absent or disrupted protein product. Loss-of-function variants in RUSC2 are known to be pathogenic (PMID: 27612186). This variant is not present in population databases (gnomAD no frequency). This variant has not been reported in the literature in individuals affected with RUSC2-related conditions. ClinVar contains an entry for this variant (Variation ID: 2100474). For these reasons, this variant has been classified as Pathogenic.

Literature cited by the submitters: PubMed 27612186.